The following is an entry in ClinVar:

ClinVar aggregate classification (germline): Benign/Likely benign. Review status: criteria provided, multiple submitters, no conflicts (2 of 4 stars). 2 submissions from 2 submitters: Benign (1); Likely benign (1). Last evaluated 2025-04-14.

Conditions:
Episodic ataxia type 2 (EA2). Also called: ATAXIA, EPISODIC, WITH NYSTAGMUS; ATAXIA, FAMILIAL PAROXYSMAL; CEREBELLAR ATAXIA, PAROXYSMAL, ACETAZOLAMIDE-RESPONSIVE; CEREBELLOPATHY, HEREDITARY PAROXYSMAL; ACETAZOLAMIDE-RESPONSIVE HEREDITARY PAROXYSMAL CEREBELLAR ATAXIA; EPISODIC ATAXIA, NYSTAGMUS-ASSOCIATED. Identifiers: Orphanet 97, MedGen C1720416, MONDO:0007163, OMIM 108500.
Developmental and epileptic encephalopathy, 42 (DEE42A). Also called: Epileptic encephalopathy, early infantile, 42; DEVELOPMENTAL AND EPILEPTIC ENCEPHALOPATHY 42A; EPILEPTIC ENCEPHALOPATHY, EARLY INFANTILE, 42A. Identifiers: MedGen C4310716, MONDO:0014917, OMIM 617106.

Allele frequency attached by ClinVar (database versions not stated): gnomAD 0.00002; gnomAD exomes 0.00002; ExAC 0.00003; TOPMed 0.00003.
gnomAD v4.1: 26 of 1,587,136 alleles (0.0016%); highest among the groups gnomAD compares: Non-Finnish European, 0.000086%; no homozygotes.

Submissions (2):

Mayo Clinic Laboratories, Mayo Clinic
Classification: Likely benign. Last evaluated: 2025-04-14. Review status: criteria provided, single submitter. Criteria: ACMG Guidelines, 2015. Collection method: clinical testing. Allele origin: germline. Observed: 1 variant allele.
Comment: BP4, BP7

Labcorp Genetics (formerly Invitae), Labcorp
Classification: Benign for Developmental and epileptic encephalopathy, 42; Episodic ataxia type 2. Last evaluated: 2025-03-23. Review status: criteria provided, single submitter. Criteria: Invitae Variant Classification Sherloc (09022015). Collection method: clinical testing. Allele origin: germline.

NM_001127222.2(CACNA1A):c.3990-9C>T

Gene: CACNA1A (calcium voltage-gated channel subunit alpha1 A; minus strand). Cytogenetic location: 19p13.13.
Variant type: single nucleotide variant.
Coding change: c.3990-9C>T on transcript NM_001127222.2 (MANE Select); 9 bases into the intron before coding-DNA position 3990, C replaced by T.
Molecular consequence: intron variant.
Genome position (GRCh38, 1-based): chr19:13,262,842, G>A on the plus strand (C>T on the coding strand, the complement: CACNA1A is on the minus strand). VCF-style: chr19-13262842-G-A. GRCh37 (hg19) VCF-style: chr19-13373656-G-A.
Other names: p.?; c.3993-9C>T (NM_001127221.2, NM_001174080.2, NM_001127221.1); c.4002-9C>T (NM_000068.4, NM_023035.3).
Identifiers: ClinVar variation 2040439 (VCV002040439.5), dbSNP rs765073297, ClinGen allele CA9240115.